The following is an entry in ClinVar:

ClinVar aggregate classification (germline): Conflicting classifications of pathogenicity. Review status: criteria provided, conflicting classifications (1 of 4 stars). 5 submissions from 5 submitters: Uncertain significance (4); Likely benign (1). Last evaluated 2024-11-18.

Conditions:
Geroderma osteodysplastica (GO). Also called: WALT DISNEY DWARFISM; Geroderma osteodysplasticum. Identifiers: Orphanet 2078, MedGen C0432255, MONDO:0009271, OMIM 231070.

Allele frequency attached by ClinVar (database versions not stated): gnomAD exomes 0.00007 and 0.00024; ESP Exome Variant Server 0.00008; gnomAD 0.00014 and 0.00021; TOPMed 0.00017; 1000 Genomes Project 30x 0.00109; 1000 Genomes Project 0.00140; ExAC 0.00026.
gnomAD v4.1: 164 of 1,614,002 alleles (0.01%); highest among the groups gnomAD compares: East Asian, 0.12%; 3 homozygotes.

Submissions (5):

Blueprint Genetics
Classification: Likely benign. Last evaluated: 2024-11-18. Review status: criteria provided, single submitter. Criteria: ACMG Guidelines, 2015. Collection method: clinical testing. Allele origin: germline.

Fulgent Genetics
Classification: Uncertain significance for Geroderma osteodysplastica. Last evaluated: 2024-01-11. Review status: criteria provided, single submitter. Criteria: ACMG Guidelines, 2015. Collection method: clinical testing. Allele origin: germline.

Genome-Nilou Lab
Classification: Uncertain significance for Geroderma osteodysplastica. Last evaluated: 2023-04-11. Review status: criteria provided, single submitter. Criteria: ACMG Guidelines, 2015. Collection method: clinical testing. Allele origin: germline. Affected: no.

Labcorp Genetics (formerly Invitae), Labcorp
Classification: Uncertain significance. Last evaluated: 2022-09-13. Review status: criteria provided, single submitter. Criteria: Invitae Variant Classification Sherloc (09022015). Collection method: clinical testing. Allele origin: germline.
Comment: This sequence change replaces arginine, which is basic and polar, with histidine, which is basic and polar, at codon 53 of the GORAB protein (p.Arg53His). This variant is present in population databases (rs144383104, gnomAD 0.2%). This variant has not been reported in the literature in individuals affected with GORAB-related conditions. ClinVar contains an entry for this variant (Variation ID: 284846). Algorithms developed to predict the effect of missense changes on protein structure and function (SIFT, PolyPhen-2, Align-GVGD) all suggest that this variant is likely to be tolerated. In summary, the available evidence is currently insufficient to determine the role of this variant in disease. Therefore, it has been classified as a Variant of Uncertain Significance.

Eurofins Ntd Llc (ga)
Classification: Uncertain significance. Last evaluated: 2015-12-08. Review status: criteria provided, single submitter. Criteria: EGL Classification Definitions 2015. Collection method: clinical testing. Allele origin: germline. Observed: 1 variant allele, 1 heterozygote.

NM_152281.3(GORAB):c.83G>A (p.Arg28His)

Gene: GORAB (golgin, RAB6 interacting; plus strand). Cytogenetic location: 1q24.2.
Variant type: single nucleotide variant.
Coding change: c.83G>A on transcript NM_152281.3 (MANE Select); coding-DNA position 83, G replaced by A.
Protein change: p.Arg28His; replaces arginine 28 with histidine.
Molecular consequence: missense variant. On other transcripts: 5 prime UTR variant (1), non-coding transcript variant (1).
Genome position (GRCh38, 1-based): chr1:170,539,231, G>A. VCF-style: chr1-170539231-G-A. GRCh37 (hg19) VCF-style: chr1-170508372-G-A.
Other names: c.83G>A, p.Arg28His (NM_001146039.2); c.-383G>A (NM_001320252.2); short protein forms R28H.
Identifiers: ClinVar variation 284846 (VCV000284846.10), dbSNP rs144383104, ClinGen allele CA1239036.